The following is an entry in ClinVar:

ClinVar aggregate classification (germline): Conflicting classifications of pathogenicity. Review status: criteria provided, conflicting classifications (1 of 4 stars). 3 submissions from 3 submitters: Uncertain significance (2); Likely benign (1). Last evaluated 2026-07-06.

Conditions:
Inborn genetic diseases. Identifiers: MedGen C0950123, MeSH D030342.
CEACAM16-related disorder. Also called: CEACAM16-related condition.

Allele frequency attached by ClinVar (database versions not stated): ExAC 0.00002; gnomAD 0.00003; TOPMed 0.00003; ESP Exome Variant Server 0.00016.
gnomAD v4.1: 76 of 1,593,696 alleles (0.0048%); highest among the groups gnomAD compares: Non-Finnish European, 0.0062%; no homozygotes.

Submissions (3):

PreventionGenetics, part of Exact Sciences
Classification: Uncertain significance for CEACAM16-related condition. Last evaluated: 2026-07-06. Review status: criteria provided, single submitter. Criteria: ACMG Guidelines, 2015. Collection method: clinical testing. Allele origin: germline.
Comment: The CEACAM16 c.662T>A variant is predicted to result in the amino acid substitution p.Phe221Tyr. To our knowledge, this variant has not been reported in the literature. This variant is reported in 0.0040% of alleles in individuals of European (Non-Finnish) descent in gnomAD. At this time, the clinical significance of this variant is uncertain due to the absence of conclusive functional and genetic evidence.

Labcorp Genetics (formerly Invitae), Labcorp
Classification: Uncertain significance. Last evaluated: 2023-08-17. Review status: criteria provided, single submitter. Criteria: Invitae Variant Classification Sherloc (09022015). Collection method: clinical testing. Allele origin: germline.
Comment: Algorithms developed to predict the effect of sequence changes on RNA splicing suggest that this variant may disrupt the consensus splice site. In summary, the available evidence is currently insufficient to determine the role of this variant in disease. Therefore, it has been classified as a Variant of Uncertain Significance. Algorithms developed to predict the effect of missense changes on protein structure and function output the following: SIFT: "Not Available"; PolyPhen-2: "Benign"; Align-GVGD: "Not Available". The tyrosine amino acid residue is found in multiple mammalian species, which suggests that this missense change does not adversely affect protein function. This sequence change replaces phenylalanine, which is neutral and non-polar, with tyrosine, which is neutral and polar, at codon 221 of the CEACAM16 protein (p.Phe221Tyr). This variant is present in population databases (rs373864861, gnomAD 0.005%). This variant has not been reported in the literature in individuals affected with CEACAM16-related conditions. ClinVar contains an entry for this variant (Variation ID: 2069328).

Ambry Genetics
Classification: Likely benign for Inborn genetic diseases. Last evaluated: 2022-08-17. Review status: criteria provided, single submitter. Criteria: Ambry Variant Classification Scheme 2023. Collection method: clinical testing. Allele origin: germline.

NM_001039213.4(CEACAM16):c.662T>A (p.Phe221Tyr)

Genes: CEACAM16 (CEA cell adhesion molecule 16, tectorial membrane component; plus strand), CEACAM16-AS1 (CEACAM16, CEACAM19 and PVR antisense RNA 1; minus strand). Cytogenetic location: 19q13.32.
Variant type: single nucleotide variant.
Coding change: c.662T>A on transcript NM_001039213.4 (MANE Select); coding-DNA position 662, T replaced by A.
Protein change: p.Phe221Tyr; replaces phenylalanine 221 with tyrosine.
Molecular consequence: missense variant.
Genome position (GRCh38, 1-based): chr19:44,705,590, T>A. VCF-style: chr19-44705590-T-A. GRCh37 (hg19) VCF-style: chr19-45208860-T-A.
Other names: c.662T>A (NM_001039213.3); short protein forms F221Y.
Identifiers: ClinVar variation 2069328 (VCV002069328.6), dbSNP rs373864861, ClinGen allele CA9503120.